The following is an entry in ClinVar:

NM_004523.4(KIF11):c.2549T>C (p.Val850Ala)

Gene: KIF11 (kinesin family member 11; plus strand). Cytogenetic location: 10q23.33.
Variant type: single nucleotide variant.
Coding change: c.2549T>C on transcript NM_004523.4 (MANE Select); coding-DNA position 2549, T replaced by C.
Protein change: p.Val850Ala; replaces valine 850 with alanine.
Molecular consequence: missense variant.
Genome position (GRCh38, 1-based): chr10:92,648,213, T>C. VCF-style: chr10-92648213-T-C. GRCh37 (hg19) VCF-style: chr10-94407970-T-C.
Other names: short protein forms V850A.
Identifiers: ClinVar variation 834866 (VCV000834866.9), dbSNP rs1844942205, ClinGen allele CA377805292.
Genomic context (GRCh38, chr10:92,648,213, plus strand): 5'-TGAATAAAACACTGGCAACTTTAATTTTAGTAATAAATATTTATTTGCATCATTTACAGG[T>C]TGTAAGCCAATGTTGTGAGGCTTCAAGTTCAGACATCACTGAGAAATCAGATGGACGTAA-3'
Protein context (NP_004514.2, residues 840-860): REQELHNLLE[Val850Ala]VSQCCEASSS

ClinVar aggregate classification (germline): Uncertain significance (1 of 4 stars; one submission).

Submission:

Labcorp Genetics (formerly Invitae), Labcorp
Classification: Uncertain significance. Last evaluated: 2021-06-22. Review status: criteria provided, single submitter. Criteria: Invitae Variant Classification Sherloc (09022015). Collection method: clinical testing. Allele origin: germline.
Comment: This variant is not present in population databases (ExAC no frequency). This sequence change replaces valine with alanine at codon 850 of the KIF11 protein (p.Val850Ala). The valine residue is moderately conserved and there is a small physicochemical difference between valine and alanine. This variant has not been reported in the literature in individuals affected with KIF11-related conditions. ClinVar contains an entry for this variant (Variation ID: 834866). Algorithms developed to predict the effect of missense changes on protein structure and function (SIFT, PolyPhen-2, Align-GVGD) all suggest that this variant is likely to be tolerated. In summary, the available evidence is currently insufficient to determine the role of this variant in disease. Therefore, it has been classified as a Variant of Uncertain Significance.